The following is an entry in ClinVar:

NM_001161352.2(KCNMA1):c.3462-10C>T

Gene: KCNMA1 (potassium calcium-activated channel subfamily M alpha 1; minus strand). Cytogenetic location: 10q22.3.
Variant type: single nucleotide variant.
Coding change: c.3462-10C>T on transcript NM_001161352.2 (MANE Select); 10 bases into the intron before coding-DNA position 3462, C replaced by T.
Molecular consequence: intron variant.
Genome position (GRCh38, 1-based): chr10:76,887,525, G>A on the plus strand (C>T on the coding strand, the complement: KCNMA1 is on the minus strand). VCF-style: chr10-76887525-G-A. GRCh37 (hg19) VCF-style: chr10-78647283-G-A.
Other names: c.3138-10C>T (NM_001271518.2); c.3288-10C>T (NM_001322832.2, NM_002247.4); c.3297-10C>T (NM_001322829.2, NM_001322836.2); c.3300-10C>T (NM_001014797.3); c.3381-10C>T (NM_001322835.2, NM_001322837.2); c.3390-10C>T (NM_001322830.2); c.2835-10C>T (NM_001322838.2); c.3411-10C>T (NM_001161353.2); and 1 more.
Identifiers: ClinVar variation 764630 (VCV000764630.13), dbSNP rs559764920, ClinGen allele CA5567837.

ClinVar aggregate classification (germline): Benign/Likely benign. Review status: criteria provided, multiple submitters, no conflicts (2 of 4 stars). 3 submissions from 3 submitters: Benign (1); Likely benign (2). Last evaluated 2026-01-08.

Conditions:
KCNMA1-related disorder. Also called: KCNMA1-related disorders; KCNMA1-related condition.
Generalized epilepsy-paroxysmal dyskinesia syndrome (PNKD3). Also called: Generalized epilepsy and paroxysmal dyskinesia; Paroxysmal nonkinesigenic dyskinesia, 3, with or without generalized epilepsy. Identifiers: Orphanet 79137, MedGen C5574945, MONDO:0012276, OMIM 609446.

Allele frequency attached by ClinVar (database versions not stated): gnomAD 0.00002 and 0.00005; gnomAD exomes 0.00003 and 0.00013; TOPMed 0.00004; ExAC 0.00016; 1000 Genomes Project 30x 0.00078; 1000 Genomes Project 0.00100.
gnomAD v4.1: 53 of 1,614,132 alleles (0.0033%); highest among the groups gnomAD compares: East Asian, 0.11%; no homozygotes.

Submissions (3):

Labcorp Genetics (formerly Invitae), Labcorp
Classification: Benign for Generalized epilepsy-paroxysmal dyskinesia syndrome. Last evaluated: 2026-01-08. Review status: criteria provided, single submitter. Criteria: Invitae Variant Classification Sherloc (09022015). Collection method: clinical testing. Allele origin: germline.

PreventionGenetics, part of Exact Sciences
Classification: Likely benign for KCNMA1-related condition. Last evaluated: 2025-03-19. Review status: criteria provided, single submitter. Criteria: ACMG Guidelines, 2015. Collection method: clinical testing. Allele origin: germline.
Comment: This variant is classified as likely benign based on ACMG/AMP sequence variant interpretation guidelines (Richards et al. 2015 PMID: 25741868, with internal and published modifications).

GeneDx
Classification: Likely benign. Last evaluated: 2020-07-30. Review status: criteria provided, single submitter. Criteria: GeneDx Variant Classification Process June 2021. Collection method: clinical testing. Allele origin: germline. Affected: yes.